The following is an entry in ClinVar:

NM_001282531.3(ADNP):c.2195del (p.Lys731_Leu732insTer)

Gene: ADNP (activity dependent neuroprotector homeobox; minus strand). Cytogenetic location: 20q13.13.
Variant type: Deletion.
Coding change: c.2195del on transcript NM_001282531.3 (MANE Select); coding-DNA position 2195, one base deleted (T; older notation c.2195delT).
Protein change: p.Lys731_Leu732insTer.
Molecular consequence: nonsense.
Genome position (GRCh38, 1-based): chr20:50,892,519, A deleted on the plus strand (T on the coding strand, the reverse complement: ADNP is on the minus strand); the first of 2 consecutive A bases (chr20:50,892,519-50,892,520); deleting either gives the same sequence. VCF-style (leftmost placement, unchanged base first): chr20-50892518-TA-T. GRCh37 (hg19) VCF-style: chr20-49509055-TA-T.
Other names: c.2195del, p.Lys731_Leu732insTer (NM_001282532.2, NM_001347511.2, NM_015339.5 and 1 more transcripts).
Identifiers: ClinVar variation 430071 (VCV000430071.2), dbSNP rs1131691770, ClinGen allele CA645369786.

ClinVar aggregate classification (germline): Pathogenic (1 of 4 stars; one submission).

Submission:

GeneDx
Classification: Pathogenic. Last evaluated: 2017-05-18. Review status: criteria provided, single submitter. Criteria: GeneDx Variant Classification (06012015). Collection method: clinical testing. Allele origin: germline. Affected: yes.
Comment: The c.2195delT variant in the ADNP gene has not been reported previously as a pathogenic variant nor as a benign variant, to our knowledge. The c.2195delT variant causes a frameshift, changing codon Leucine 732 to a premature Stop codon, denoted p.Leu732Ter. This variant is predicted to cause loss of normal protein function through protein truncation. The c.2195delT variant is not observed in large population cohorts (Lek et al., 2016; 1000 Genomes Consortium et al., 2015; Exome Variant Server). We interpret c.2195delT as a pathogenic variant.